The following is an entry in ClinVar:

NM_022901.3(LRRC19):c.1052A>T (p.Asp351Val)

Genes: IFT74 (intraflagellar transport 74; plus strand), LRRC19 (leucine rich repeat containing 19; minus strand). Cytogenetic location: 9p21.2.
Variant type: single nucleotide variant.
Coding change: c.1052A>T on transcript NM_022901.3 (MANE Select); coding-DNA position 1052, A replaced by T.
Protein change: p.Asp351Val; replaces aspartic acid 351 with valine.
Molecular consequence: missense variant. On other transcripts: intron variant (5).
Genome position (GRCh38, 1-based): chr9:26,995,582, T>A on the plus strand (A>T on the coding strand, the complement: LRRC19 is on the minus strand). VCF-style: chr9-26995582-T-A. GRCh37 (hg19) VCF-style: chr9-26995580-T-A.
Other names: c.587+5387T>A (NM_001099223.3, NM_001099222.3, NM_001349928.2 and 2 more transcripts); short protein forms D351V.
Identifiers: ClinVar variation 3770748 (VCV003770748.13).
Genomic context (GRCh38, chr9:26,995,582, plus strand): 5'-TAATTTTCTTCACATAATTCATGGATATCTATATATTTGTCTTCAATAAATCCATCATCA[T>A]CTACCACAAATGAATGTAATTGTTCAAATATTACTGTAGTTTCTTCAGAGTTTGTTTCTG-3'
Protein context (NP_075052.1, residues 341-361): IFEQLHSFVV[Asp351Val]DDGFIEDKYI

ClinVar aggregate classification (germline): Likely benign (1 of 4 stars; one submission).

gnomAD v4.1: 2,467 of 1,601,180 alleles (0.15%); highest among the groups gnomAD compares: Non-Finnish European, 0.15%; 5 homozygotes.

Submission:

CeGaT Center for Human Genetics Tuebingen
Classification: Likely benign. Last evaluated: 2025-01-01. Review status: criteria provided, single submitter. Criteria: CeGaT Center For Human Genetics Tuebingen Variant Classification Criteria Version 2. Collection method: clinical testing. Allele origin: germline. Affected: yes. Observed: 1 variant allele.
Comment: LRRC19: BP4